The following is an entry in ClinVar:

NM_015338.6(ASXL1):c.3573T>C (p.Ile1191=)

Gene: ASXL1 (ASXL transcriptional regulator 1; plus strand). Cytogenetic location: 20q11.21.
Variant type: single nucleotide variant.
Coding change: c.3573T>C on transcript NM_015338.6 (MANE Select); coding-DNA position 3573, T replaced by C.
Protein change: p.Ile1191=; no amino-acid change (isoleucine 1191 retained).
Molecular consequence: synonymous variant.
Genome position (GRCh38, 1-based): chr20:32,436,285, T>C. VCF-style: chr20-32436285-T-C. GRCh37 (hg19) VCF-style: chr20-31024088-T-C.
Other names: c.3390T>C, p.Ile1130= (NM_001363734.1).
Identifiers: ClinVar variation 3021569 (VCV003021569.6), dbSNP rs755831609, ClinGen allele CA9808857.

ClinVar aggregate classification (germline): Likely benign. Review status: criteria provided, multiple submitters, no conflicts (2 of 4 stars). 3 submissions from 3 submitters: Likely benign (2). 1 of the submissions does not count toward it. Last evaluated 2024-12-22.

Conditions:
ASXL1-related disorder. Also called: ASXL1-related condition; ASXL1-related disorders.
Inborn genetic diseases. Identifiers: MedGen C0950123, MeSH D030342.

Allele frequency attached by ClinVar (database versions not stated): ExAC 0.00001; gnomAD exomes 0.00001; gnomAD 0.00005; TOPMed 0.00005.
gnomAD v4.1: 22 of 1,614,114 alleles (0.0014%); highest among the groups gnomAD compares: African/African-American, 0.023%; no homozygotes.

Submissions (3):

Ambry Genetics
Classification: Likely benign for Inborn genetic diseases. Last evaluated: 2024-12-22. Review status: criteria provided, single submitter. Criteria: Ambry Variant Classification Scheme 2023. Collection method: clinical testing. Allele origin: germline.

Labcorp Genetics (formerly Invitae), Labcorp
Classification: Likely benign. Last evaluated: 2024-12-15. Review status: criteria provided, single submitter. Criteria: Invitae Variant Classification Sherloc (09022015). Collection method: clinical testing. Allele origin: germline.

PreventionGenetics, part of Exact Sciences
Classification: Likely benign for ASXL1-related condition. Last evaluated: 2023-06-13. Review status: no assertion criteria provided. Collection method: clinical testing. Allele origin: germline. Not counted in ClinVar's aggregate classification.
Comment: This variant is classified as likely benign based on ACMG/AMP sequence variant interpretation guidelines (Richards et al. 2015 PMID: 25741868, with internal and published modifications).